The following is an entry in ClinVar:

ClinVar aggregate classification (germline): Conflicting classifications of pathogenicity. Review status: criteria provided, conflicting classifications (1 of 4 stars). 8 submissions from 8 submitters: Uncertain significance (2); Benign (1); Likely benign (5). Last evaluated 2026-01-26.

Conditions:
Ehlers-Danlos syndrome, classic type, 1 (EDSCL1). Also called: EHLERS-DANLOS SYNDROME, GRAVIS TYPE; EHLERS-DANLOS SYNDROME, SEVERE CLASSIC TYPE; Ehlers-Danlos syndrome, type 1; Ehlers-Danlos Syndrome, Classic Type, COL5A1-Related; EDS I. Identifiers: MedGen C0268335, MONDO:0019567, OMIM 130000.
Connective tissue disorder. Also called: Connective tissue disease. Identifiers: MedGen C0009782, MONDO:0003900.
Ehlers-Danlos syndrome (EDS). Identifiers: Orphanet 98249, MedGen C0013720, MONDO:0020066.
Familial thoracic aortic aneurysm and aortic dissection (TAAD). Also called: Thoracic aortic aneurysms and dissections. Identifiers: Orphanet 91387, MedGen C4707243, MONDO:0019625.

Allele frequency attached by ClinVar (database versions not stated): gnomAD 0.00019 and 0.00020; TOPMed 0.00021; ESP Exome Variant Server 0.00024; ExAC 0.00080.
gnomAD v4.1: 303 of 1,551,126 alleles (0.02%); highest among the groups gnomAD compares: Admixed American, 0.035%; no homozygotes.

Submissions (8):

Labcorp Genetics (formerly Invitae), Labcorp
Classification: Likely benign for Ehlers-Danlos syndrome, classic type, 1. Last evaluated: 2026-01-26. Review status: criteria provided, single submitter. Criteria: Invitae Variant Classification Sherloc (09022015). Collection method: clinical testing. Allele origin: germline.

Blueprint Genetics
Classification: Benign. Last evaluated: 2024-05-21. Review status: criteria provided, single submitter. Criteria: ACMG Guidelines, 2015. Collection method: clinical testing. Allele origin: germline.

Women's Health and Genetics/Laboratory Corporation of America, LabCorp
Classification: Likely benign. Last evaluated: 2023-07-21. Review status: criteria provided, single submitter. Criteria: LabCorp Variant Classification Summary - May 2015. Collection method: clinical testing. Allele origin: germline.

Genome Diagnostics Laboratory, The Hospital for Sick Children
Classification: Likely benign for Ehlers-Danlos syndrome. Last evaluated: 2020-10-21. Review status: criteria provided, single submitter. Criteria: ACMG Guidelines, 2015. Collection method: clinical testing. Allele origin: germline.

Ambry Genetics
Classification: Likely benign for Familial thoracic aortic aneurysm and aortic dissection. Last evaluated: 2020-03-24. Review status: criteria provided, single submitter. Criteria: Ambry Variant Classification Scheme 2023. Collection method: clinical testing. Allele origin: germline.

Center for Human Genetics, Inc
Classification: Uncertain significance for Connective tissue disorder. Last evaluated: 2018-06-01. Review status: criteria provided, single submitter. Criteria: ACMG Guidelines, 2015. Collection method: clinical testing. Allele origin: germline. Affected: yes.

ARUP Laboratories, Molecular Genetics and Genomics, ARUP Laboratories
Classification: Uncertain significance. Last evaluated: 2018-03-04. Review status: criteria provided, single submitter. Criteria: ARUP Molecular Germline Variant Investigation Process. Collection method: clinical testing. Allele origin: germline.
Comment: The COL5A1 c.3983C>G; p.Pro1328Arg variant (rs140797509; ClinVar variant ID 212969), to our knowledge, is not reported in the medical literature, gene specific variation databases, nor has it been previously identified by our laboratory. This variant is listed in the genome Aggregation Database (gnomAD) with an overall population frequency of 0.04% (identified on 76 out of 179,884 chromosomes) and an Ashkenazi Jewish population frequency of 0.07% (identified on 61 out of 8,548 chromosomes). The proline at position 1328 is highly conserved, considering 12 species, and computational analyses of the effects of the p.Pro1328Arg variant on protein structure and function make conflicting predictions (SIFT: tolerated, PolyPhen-2: probably damaging). Based on the available information, the clinical significance of the p.Pro1328Arg variant cannot be determined with certainty.

GeneDx
Classification: Likely benign. Last evaluated: 2018-01-02. Review status: criteria provided, single submitter. Criteria: GeneDx Variant Classification (06012015). Collection method: clinical testing. Allele origin: germline. Affected: yes.
Comment: This variant is considered likely benign or benign based on one or more of the following criteria: it is a conservative change, it occurs at a poorly conserved position in the protein, it is predicted to be benign by multiple in silico algorithms, and/or has population frequency not consistent with disease.

NM_000093.5(COL5A1):c.3983C>G (p.Pro1328Arg)

Gene: COL5A1 (collagen type V alpha 1 chain; plus strand). Cytogenetic location: 9q34.3.
Variant type: single nucleotide variant.
Coding change: c.3983C>G on transcript NM_000093.5 (MANE Select); coding-DNA position 3983, C replaced by G.
Protein change: p.Pro1328Arg; replaces proline 1328 with arginine.
Molecular consequence: missense variant.
Genome position (GRCh38, 1-based): chr9:134,814,873, C>G. VCF-style: chr9-134814873-C-G. GRCh37 (hg19) VCF-style: chr9-137706719-C-G.
Other names: p.P1328R:CCT>CGT; c.3983C>G, p.Pro1328Arg (NM_001278074.1); short protein forms P1328R.
Identifiers: ClinVar variation 212969 (VCV000212969.30), dbSNP rs140797509, ClinGen allele CA323498.